The following is an entry in ClinVar:

ClinVar aggregate classification (germline): Conflicting classifications of pathogenicity. Review status: criteria provided, conflicting classifications (1 of 4 stars). 8 submissions from 8 submitters: Uncertain significance (6); Likely benign (1). 1 of the submissions does not count toward it. Last evaluated 2025-07-16.

Conditions:
Ovarian cancer. Also called: OVARIAN CANCER, SOMATIC. Identifiers: Orphanet 213500, MedGen C1140680, MONDO:0008170, OMIM 167000.
Fanconi anemia complementation group J. Also called: BRIP1-Related Fanconi Anemia. Identifiers: Orphanet 84, MedGen C1836860, MONDO:0012187, OMIM 609054.
Hereditary cancer-predisposing syndrome. Also called: Neoplastic Syndromes, Hereditary; Hereditary Cancer Syndrome; Hereditary neoplastic syndrome; Tumor predisposition. Identifiers: Orphanet 140162, MedGen C0027672, MeSH D009386, MONDO:0015356.
Familial cancer of breast. Also called: Hereditary breast cancer; hereditary breast carcinoma; BREAST CANCER, FAMILIAL. Identifiers: Orphanet 227535, MedGen C0346153, MONDO:0016419, OMIM 114480. Disease mechanism: loss of function.

Allele frequency attached by ClinVar (database versions not stated): TOPMed 0.00006; ESP Exome Variant Server 0.00008; 1000 Genomes Project 30x 0.00031.

Submissions (8):

Labcorp Genetics (formerly Invitae), Labcorp
Classification: Uncertain significance for Familial cancer of breast; Fanconi anemia complementation group J. Last evaluated: 2025-07-16. Review status: criteria provided, single submitter. Criteria: Invitae Variant Classification Sherloc (09022015). Collection method: clinical testing. Allele origin: germline.
Comment: This sequence change replaces arginine, which is basic and polar, with leucine, which is neutral and non-polar, at codon 162 of the BRIP1 protein (p.Arg162Leu). This variant is present in population databases (rs61757643, gnomAD 0.01%). This variant has not been reported in the literature in individuals affected with BRIP1-related conditions. ClinVar contains an entry for this variant (Variation ID: 142492). Invitae Evidence Modeling of protein sequence and biophysical properties (such as structural, functional, and spatial information, amino acid conservation, physicochemical variation, residue mobility, and thermodynamic stability) indicates that this missense variant is not expected to disrupt BRIP1 protein function with a negative predictive value of 95%. RNA analysis performed to evaluate the impact of this missense change on mRNA splicing indicates it does not significantly alter splicing (internal data). In summary, the available evidence is currently insufficient to determine the role of this variant in disease. Therefore, it has been classified as a Variant of Uncertain Significance.

GeneDx
Classification: Uncertain significance. Last evaluated: 2024-06-26. Review status: criteria provided, single submitter. Criteria: GeneDx Variant Classification Process June 2021. Collection method: clinical testing. Allele origin: germline. Affected: yes.
Comment: Not observed at significant frequency in large population cohorts (gnomAD); In silico analysis supports that this missense variant has a deleterious effect on protein structure/function; Has not been previously published as pathogenic or benign to our knowledge; In silico analysis is inconclusive as to whether the variant alters gene splicing. In the absence of RNA/functional studies, the actual effect of this sequence change is unknown.; This variant is associated with the following publications: (PMID: 11301010)

Ambry Genetics
Classification: Likely benign for Hereditary cancer-predisposing syndrome. Last evaluated: 2024-03-26. Review status: criteria provided, single submitter. Criteria: Ambry Variant Classification Scheme 2023. Collection method: clinical testing. Allele origin: germline.

Baylor Genetics
Classification: Uncertain significance for Familial cancer of breast. Last evaluated: 2024-03-06. Review status: criteria provided, single submitter. Criteria: ACMG Guidelines, 2015. Collection method: clinical testing. Allele origin: unknown.

Myriad Genetics, Inc.
Classification: Uncertain significance for Familial cancer of breast. Last evaluated: 2023-03-01. Review status: criteria provided, single submitter. Criteria: Myriad Autosomal Dominant, Autosomal Recessive and X-Linked Classification Criteria (2023). Collection method: clinical testing. Allele origin: unknown.
Comment: This variant is classified as a variant of uncertain significance as there is insufficient evidence to determine its impact on protein function and/or cancer risk.

Women's Health and Genetics/Laboratory Corporation of America, LabCorp
Classification: Uncertain significance. Last evaluated: 2020-01-23. Review status: criteria provided, single submitter. Criteria: LabCorp Variant Classification Summary - May 2015. Collection method: clinical testing. Allele origin: germline.
Comment: Variant summary: BRIP1 c.485G>T (p.Arg162Leu) results in a non-conservative amino acid change located in the Helicase-like, DEXD box c2 type domain of the encoded protein sequence. Four of five in-silico tools predict a damaging effect of the variant on protein function. The variant allele was found at a frequency of 8e-06 in 251330 control chromosomes. The available data on variant occurrences in the general population are insufficient to allow any conclusion about variant significance. To our knowledge, no occurrence of c.485G>T in individuals affected with Breast Cancer and no experimental evidence demonstrating its impact on protein function have been reported. Three clinical diagnostic laboratories have submitted clinical-significance assessments for this variant to ClinVar after 2014 without evidence for independent evaluation. All laboratories classified the variant as uncertain significance. Based on the evidence outlined above, the variant was classified as uncertain significance.

Color Diagnostics, LLC DBA Color Health
Classification: Uncertain significance for Hereditary cancer-predisposing syndrome. Last evaluated: 2019-06-28. Review status: criteria provided, single submitter. Criteria: ACMG Guidelines, 2015. Collection method: clinical testing. Allele origin: germline.

Counsyl
Classification: Uncertain significance for Fanconi anemia complementation group J; Ovarian cancer. Last evaluated: 2017-07-19. Review status: no assertion criteria provided. Collection method: clinical testing. Allele origin: unknown. Not counted in ClinVar's aggregate classification.

Literature cited by the submitters: PubMed 32832836 (cited by Ambry Genetics).

NM_032043.3(BRIP1):c.485G>T (p.Arg162Leu)

Gene: BRIP1 (BRCA1 interacting DNA helicase 1; minus strand). Cytogenetic location: 17q23.2.
Variant type: single nucleotide variant.
Coding change: c.485G>T on transcript NM_032043.3 (MANE Select); coding-DNA position 485, G replaced by T.
Protein change: p.Arg162Leu; replaces arginine 162 with leucine.
Molecular consequence: missense variant.
Genome position (GRCh38, 1-based): chr17:61,849,151, C>A on the plus strand (G>T on the coding strand, the complement: BRIP1 is on the minus strand). VCF-style: chr17-61849151-C-A. GRCh37 (hg19) VCF-style: chr17-59926512-C-A.
Other names: short protein forms R162L.
Identifiers: ClinVar variation 142492 (VCV000142492.23), dbSNP rs61757643, ClinGen allele CA168512.